The following is an entry in ClinVar:

NM_020297.4(ABCC9):c.4512+7A>G

Genes: KCNJ8-AS1 (KCNJ8 antisense RNA 1; plus strand), ABCC9 (ATP binding cassette subfamily C member 9; minus strand). Cytogenetic location: 12p12.1.
Variant type: single nucleotide variant.
Coding change: c.4512+7A>G on transcript NM_020297.4 (MANE Select); 7 bases into the intron after coding-DNA position 4512, A replaced by G.
Molecular consequence: intron variant.
Genome position (GRCh38, 1-based): chr12:21,805,991, T>C on the plus strand (A>G on the coding strand, the complement: ABCC9 is on the minus strand). VCF-style: chr12-21805991-T-C. GRCh37 (hg19) VCF-style: chr12-21958925-T-C.
Other names: c.3645+7A>G (NM_001377274.1); c.4512+7A>G (NM_005691.4, NM_001377273.1).
Identifiers: ClinVar variation 510223 (VCV000510223.13), dbSNP rs371646433, ClinGen allele CA6480839.

ClinVar aggregate classification (germline): Likely benign. Review status: criteria provided, multiple submitters, no conflicts (2 of 4 stars). 5 submissions from 5 submitters: Likely benign (3). 2 of the submissions do not count toward it. Last evaluated 2026-01-31.

Conditions:
Dilated cardiomyopathy 1O (CMD1O). Also called: CARDIOMYOPATHY, DILATED, WITH VENTRICULAR TACHYCARDIA. Identifiers: Orphanet 154, MedGen C1837839, MONDO:0012062, OMIM 608569.

Allele frequency attached by ClinVar (database versions not stated): ExAC 0.00003; gnomAD exomes 0.00004; gnomAD 0.00005; TOPMed 0.00006; ESP Exome Variant Server 0.00015.
gnomAD v4.1: 60 of 1,613,636 alleles (0.0037%); highest among the groups gnomAD compares: Admixed American, 0.0067%; no homozygotes.

Submissions (5):

Labcorp Genetics (formerly Invitae), Labcorp
Classification: Likely benign for Dilated cardiomyopathy 1O. Last evaluated: 2026-01-31. Review status: criteria provided, single submitter. Criteria: Invitae Variant Classification Sherloc (09022015). Collection method: clinical testing. Allele origin: germline.

Blueprint Genetics
Classification: Likely benign. Last evaluated: 2024-11-27. Review status: criteria provided, single submitter. Criteria: ACMG Guidelines, 2015. Collection method: clinical testing. Allele origin: germline.

GeneDx
Classification: Likely benign. Last evaluated: 2017-06-21. Review status: criteria provided, single submitter. Criteria: GeneDx Variant Classification (06012015). Collection method: clinical testing. Allele origin: germline. Affected: yes.
Comment: This variant is considered likely benign or benign based on one or more of the following criteria: it is a conservative change, it occurs at a poorly conserved position in the protein, it is predicted to be benign by multiple in silico algorithms, and/or has population frequency not consistent with disease.

Genome Diagnostics Laboratory, University Medical Center Utrecht
Classification: Likely benign. Review status: no assertion criteria provided. Collection method: clinical testing. Allele origin: germline. Affected: yes. Study: VKGL Data-share Consensus. Not counted in ClinVar's aggregate classification.

Joint Genome Diagnostic Labs from Nijmegen and Maastricht, Radboudumc and MUMC+
Classification: Likely benign. Review status: no assertion criteria provided. Collection method: clinical testing. Allele origin: germline. Affected: yes. Study: VKGL Data-share Consensus. Not counted in ClinVar's aggregate classification.